The following is an entry in ClinVar:

ClinVar aggregate classification (germline): Uncertain significance (1 of 4 stars; one submission).

Conditions:
Familial thoracic aortic aneurysm and aortic dissection (TAAD). Also called: Thoracic aortic aneurysms and dissections. Identifiers: Orphanet 91387, MedGen C4707243, MONDO:0019625.
Marfan syndrome (MFS). Also called: MARFAN SYNDROME, TYPE I; Marfan syndrome type 1; Marfan's syndrome; Marfan syndrome, classic; FBN1-Related Marfan Syndrome. Identifiers: Orphanet 284963, Orphanet 558, MedGen C0024796, MONDO:0007947, OMIM 154700.

Submission:

Labcorp Genetics (formerly Invitae), Labcorp
Classification: Uncertain significance for Marfan syndrome; Familial thoracic aortic aneurysm and aortic dissection. Last evaluated: 2022-06-08. Review status: criteria provided, single submitter. Criteria: Invitae Variant Classification Sherloc (09022015). Collection method: clinical testing. Allele origin: germline.
Comment: In summary, the available evidence is currently insufficient to determine the role of this variant in disease. Therefore, it has been classified as a Variant of Uncertain Significance. Algorithms developed to predict the effect of missense changes on protein structure and function (SIFT, PolyPhen-2, Align-GVGD) all suggest that this variant is likely to be tolerated. This variant has not been reported in the literature in individuals affected with FBN1-related conditions. This variant is not present in population databases (gnomAD no frequency). This sequence change replaces isoleucine, which is neutral and non-polar, with valine, which is neutral and non-polar, at codon 107 of the FBN1 protein (p.Ile107Val).

NM_000138.5(FBN1):c.319A>G (p.Ile107Val)

Gene: FBN1 (fibrillin 1; minus strand). Cytogenetic location: 15q21.1.
Variant type: single nucleotide variant.
Coding change: c.319A>G on transcript NM_000138.5 (MANE Select); coding-DNA position 319, A replaced by G.
Protein change: p.Ile107Val; replaces isoleucine 107 with valine.
Molecular consequence: missense variant.
Genome position (GRCh38, 1-based): chr15:48,610,755, T>C on the plus strand (A>G on the coding strand, the complement: FBN1 is on the minus strand). VCF-style: chr15-48610755-T-C. GRCh37 (hg19) VCF-style: chr15-48902952-T-C.
Other names: c.319A>G, p.Ile107Val (NM_001406716.1, NM_001406717.1); short protein forms I107V.
Identifiers: ClinVar variation 2106253 (VCV002106253.4), dbSNP rs2140733930, ClinGen allele CA392446904.